The following is an entry in ClinVar:

ClinVar aggregate classification (germline): Uncertain significance (1 of 4 stars; one submission).

Submission:

GeneDx
Classification: Uncertain significance. Last evaluated: 2022-02-28. Review status: criteria provided, single submitter. Criteria: GeneDx Variant Classification Process June 2021. Collection method: clinical testing. Allele origin: germline. Affected: yes.
Comment: Not observed at significant frequency in large population cohorts (gnomAD); In silico analysis supports that this missense variant has a deleterious effect on protein structure/function; Has not been previously published as pathogenic or benign to our knowledge

NM_000548.5(TSC2):c.1763A>G (p.Glu588Gly)

Gene: TSC2 (TSC complex subunit 2; plus strand). Cytogenetic location: 16p13.3.
Variant type: single nucleotide variant.
Coding change: c.1763A>G on transcript NM_000548.5 (MANE Select); coding-DNA position 1763, A replaced by G.
Protein change: p.Glu588Gly; replaces glutamic acid 588 with glycine.
Molecular consequence: missense variant.
Genome position (GRCh38, 1-based): chr16:2,070,502, A>G. VCF-style: chr16-2070502-A-G. GRCh37 (hg19) VCF-style: chr16-2120503-A-G.
Other names: c.1763A>G, p.Glu588Gly (NM_001077183.3, NM_001114382.3, NM_001363528.2 and 3 more transcripts); c.1652A>G, p.Glu551Gly (NM_001318827.2); c.1616A>G, p.Glu539Gly (NM_001318829.2); c.1163A>G, p.Glu388Gly (NM_001318831.2); c.1796A>G, p.Glu599Gly (NM_001318832.2); short protein forms E388G, E539G, E551G, E588G, E599G.
Identifiers: ClinVar variation 1703971 (VCV001703971.2), dbSNP rs2151279468, ClinGen allele CA394272863.
Genomic context (GRCh38, chr16:2,070,502, plus strand): 5'-TCCTCTCTCTGCAGACCAAGCTGTACACCCTGCCTGCAAGCCACGCCACGCGTGTGTATG[A>G]GATGCTGGTCAGCCACATTCAGCTCCACTACAAGCACAGCTACACCCTGCCAATCGCGAG-3'
Protein context (NP_000539.2, residues 578-598): LPASHATRVY[Glu588Gly]MLVSHIQLHY